The following is an entry in ClinVar:

NM_144573.4(NEXN):c.1678G>A (p.Glu560Lys)

Gene: NEXN (nexilin F-actin binding protein; plus strand). Cytogenetic location: 1p31.1.
Variant type: single nucleotide variant.
Coding change: c.1678G>A on transcript NM_144573.4 (MANE Select); coding-DNA position 1678, G replaced by A.
Protein change: p.Glu560Lys; replaces glutamic acid 560 with lysine.
Molecular consequence: missense variant.
Genome position (GRCh38, 1-based): chr1:77,942,479, G>A. VCF-style: chr1-77942479-G-A. GRCh37 (hg19) VCF-style: chr1-78408164-G-A.
Other names: c.1678G>A (NM_144573.3); c.1486G>A, p.Glu496Lys (NM_001172309.2); short protein forms E496K, E560K.
Identifiers: ClinVar variation 1512711 (VCV001512711.10), dbSNP rs377257742, ClinGen allele CA918965.

ClinVar aggregate classification (germline): Uncertain significance. Review status: criteria provided, multiple submitters, no conflicts (2 of 4 stars). 3 submissions from 3 submitters: Uncertain significance (3). Last evaluated 2024-01-17.

Conditions:
Dilated cardiomyopathy 1CC (CMD1CC). Identifiers: Orphanet 154, MedGen C2751084, MONDO:0013147, OMIM 613122.
Hypertrophic cardiomyopathy 20. Identifiers: MedGen C3151267, MONDO:0013477, OMIM 613876.
Cardiovascular phenotype. Identifiers: MedGen CN230736.

Allele frequency attached by ClinVar (database versions not stated): gnomAD exomes below 0.00001 and 0.00001; TOPMed below 0.00001; ExAC 0.00001; ESP Exome Variant Server 0.00008.
gnomAD v4.1: 13 of 1,613,716 alleles (0.00081%); highest among the groups gnomAD compares: South Asian, 0.0088%; no homozygotes.

Submissions (3):

Ambry Genetics
Classification: Uncertain significance for Cardiovascular phenotype. Last evaluated: 2024-01-17. Review status: criteria provided, single submitter. Criteria: Ambry Variant Classification Scheme 2023. Collection method: clinical testing. Allele origin: germline.

Fulgent Genetics
Classification: Uncertain significance for Dilated cardiomyopathy 1CC; Hypertrophic cardiomyopathy 20. Last evaluated: 2021-09-28. Review status: criteria provided, single submitter. Criteria: ACMG Guidelines, 2015. Collection method: clinical testing. Allele origin: unknown.

Labcorp Genetics (formerly Invitae), Labcorp
Classification: Uncertain significance for Dilated cardiomyopathy 1CC; Hypertrophic cardiomyopathy 20. Last evaluated: 2021-07-01. Review status: criteria provided, single submitter. Criteria: Invitae Variant Classification Sherloc (09022015). Collection method: clinical testing. Allele origin: germline.
Comment: This sequence change replaces glutamic acid with lysine at codon 560 of the NEXN protein (p.Glu560Lys). The glutamic acid residue is moderately conserved and there is a small physicochemical difference between glutamic acid and lysine. This variant is present in population databases (rs377257742, ExAC 0.002%). This variant has not been reported in the literature in individuals with NEXN-related conditions. Algorithms developed to predict the effect of missense changes on protein structure and function (SIFT, PolyPhen-2, Align-GVGD) all suggest that this variant is likely to be tolerated, but these predictions have not been confirmed by published functional studies and their clinical significance is uncertain. In summary, the available evidence is currently insufficient to determine the role of this variant in disease. Therefore, it has been classified as a Variant of Uncertain Significance.